The following is an entry in ClinVar:

ClinVar aggregate classification (germline): Uncertain significance (1 of 4 stars; one submission).

Conditions:
Congenital myotonia, autosomal dominant form (THD). Also called: THOMSEN DISEASE; Myotonia congenita autosomal dominant. Identifiers: Orphanet 614, MedGen C2936781, MONDO:0008055, OMIM 160800.
Congenital myotonia, autosomal recessive form. Also called: BECKER DISEASE; Becker Generalized Myotonia; myotonia congenita, autosomal recessive. Identifiers: Orphanet 614, MedGen C0751360, MONDO:0009715, OMIM 255700.

Submission:

Labcorp Genetics (formerly Invitae), Labcorp
Classification: Uncertain significance for Congenital myotonia, autosomal recessive form; Congenital myotonia, autosomal dominant form. Last evaluated: 2022-09-12. Review status: criteria provided, single submitter. Criteria: Invitae Variant Classification Sherloc (09022015). Collection method: clinical testing. Allele origin: germline.
Comment: In summary, the available evidence is currently insufficient to determine the role of this variant in disease. Therefore, it has been classified as a Variant of Uncertain Significance. This variant has not been reported in the literature in individuals affected with CLCN1-related conditions. This variant results in a copy number gain of the genomic region encompassing exon(s) 21-23 of the CLCN1 gene. This region includes the termination codon of the gene. This copy number gain extends beyond the assayed region for this gene and therefore may encompass additional genes. As the precise location of this event is unknown, it may be in tandem or it may be located elsewhere in the genome.

NC_000007.13:g.(?_143047445)_(143049078_?)dup

Gene: CLCN1 (chloride voltage-gated channel 1; plus strand). Cytogenetic location: 7q34.
Variant type: Duplication.
Identifiers: ClinVar variation 651821 (VCV000651821.7).